The following is an entry in ClinVar:

ClinVar aggregate classification (germline): Uncertain significance. Review status: criteria provided, multiple submitters, no conflicts (2 of 4 stars). 2 submissions from 2 submitters: Uncertain significance (2). Last evaluated 2025-03-30.

Conditions:
Neuroblastoma, susceptibility to, 3. Also called: ALK-Related Neuroblastic Tumor Susceptibility. Identifiers: Orphanet 635, MedGen C2751681, MONDO:0013083, OMIM 613014.
Hereditary cancer-predisposing syndrome. Also called: Neoplastic Syndromes, Hereditary; Hereditary neoplastic syndrome; Hereditary Cancer Syndrome; Tumor predisposition. Identifiers: Orphanet 140162, MedGen C0027672, MeSH D009386, MONDO:0015356.

gnomAD v4.1: 1 of 1,614,194 alleles (0.000062%); highest among the groups gnomAD compares: Non-Finnish European, 0.000085%; no homozygotes.

Submissions (2):

Ambry Genetics
Classification: Uncertain significance for Hereditary cancer-predisposing syndrome. Last evaluated: 2025-03-30. Review status: criteria provided, single submitter. Criteria: Ambry Variant Classification Scheme 2023. Collection method: clinical testing. Allele origin: germline.
Comment: The p.N1583I variant (also known as c.4748A>T), located in coding exon 29 of the ALK gene, results from an A to T substitution at nucleotide position 4748. The asparagine at codon 1583 is replaced by isoleucine, an amino acid with dissimilar properties. This amino acid position is conserved. In addition, this alteration is predicted to be tolerated by in silico analysis. Based on the available evidence, the clinical significance of this variant remains unclear.

Labcorp Genetics (formerly Invitae), Labcorp
Classification: Uncertain significance for Neuroblastoma, susceptibility to, 3. Last evaluated: 2024-09-01. Review status: criteria provided, single submitter. Criteria: Invitae Variant Classification Sherloc (09022015). Collection method: clinical testing. Allele origin: germline.
Comment: This sequence change replaces asparagine, which is neutral and polar, with isoleucine, which is neutral and non-polar, at codon 1583 of the ALK protein (p.Asn1583Ile). This variant is present in population databases (rs751677905, gnomAD 0.0009%). This variant has not been reported in the literature in individuals affected with ALK-related conditions. ClinVar contains an entry for this variant (Variation ID: 2147104). An algorithm developed to predict the effect of missense changes on protein structure and function (PolyPhen-2) suggests that this variant is likely to be disruptive. In summary, the available evidence is currently insufficient to determine the role of this variant in disease. Therefore, it has been classified as a Variant of Uncertain Significance.

NM_004304.5(ALK):c.4748A>T (p.Asn1583Ile)

Gene: ALK (ALK receptor tyrosine kinase; minus strand). Cytogenetic location: 2p23.2.
Variant type: single nucleotide variant.
Coding change: c.4748A>T on transcript NM_004304.5 (MANE Select); coding-DNA position 4748, A replaced by T.
Protein change: p.Asn1583Ile; replaces asparagine 1583 with isoleucine.
Molecular consequence: missense variant.
Genome position (GRCh38, 1-based): chr2:29,193,339, T>A on the plus strand (A>T on the coding strand, the complement: ALK is on the minus strand). VCF-style: chr2-29193339-T-A. GRCh37 (hg19) VCF-style: chr2-29416205-T-A.
Other names: c.4748A>T (NM_004304.4); c.1544A>T, p.Asn515Ile (NM_001353765.2); short protein forms N1583I, N515I.
Identifiers: ClinVar variation 2147104 (VCV002147104.5), dbSNP rs751677905, ClinGen allele CA1593493.